The following is an entry in ClinVar:

ClinVar aggregate classification (germline): Uncertain significance (1 of 4 stars; one submission).

gnomAD v4.1: 9 of 1,293,726 alleles (0.0007%); highest among the groups gnomAD compares: Non-Finnish European, 0.00088%; no homozygotes.

Submission:

Labcorp Genetics (formerly Invitae), Labcorp
Classification: Uncertain significance. Last evaluated: 2024-10-29. Review status: criteria provided, single submitter. Criteria: Invitae Variant Classification Sherloc (09022015). Collection method: clinical testing. Allele origin: germline.
Comment: This sequence change replaces cysteine, which is neutral and slightly polar, with phenylalanine, which is neutral and non-polar, at codon 5 of the COL18A1 protein (p.Cys5Phe). This variant is present in population databases (no rsID available, gnomAD 0.007%). This variant has not been reported in the literature in individuals affected with COL18A1-related conditions. ClinVar contains an entry for this variant (Variation ID: 1955737). Experimental studies and prediction algorithms are not available or were not evaluated, and the functional significance of this variant is currently unknown. In summary, the available evidence is currently insufficient to determine the role of this variant in disease. Therefore, it has been classified as a Variant of Uncertain Significance.

NM_001379500.1(COL18A1):c.14G>T (p.Cys5Phe)

Genes: BNAT1 (breast cancer associated ESR1 regulating natural antisense transcript 1; minus strand), COL18A1 (collagen type XVIII alpha 1 chain; plus strand). Cytogenetic location: 21q22.3.
Variant type: single nucleotide variant.
Coding change: c.14G>T on transcript NM_001379500.1 (MANE Select); coding-DNA position 14, G replaced by T.
Protein change: p.Cys5Phe; replaces cysteine 5 with phenylalanine.
Molecular consequence: missense variant.
Genome position (GRCh38, 1-based): chr21:45,405,381, G>T. VCF-style: chr21-45405381-G-T. GRCh37 (hg19) VCF-style: chr21-46825296-G-T.
Other names: short protein forms C5F.
Identifiers: ClinVar variation 1955737 (VCV001955737.5), dbSNP rs1238242720, ClinGen allele CA410620260.